The following is an entry in ClinVar:

NM_002516.4(NOVA2):c.1300_1301delinsAT (p.Glu434Met)

Gene: NOVA2 (NOVA alternative splicing regulator 2; minus strand). Cytogenetic location: 19q13.32.
Variant type: Indel.
Coding change: c.1300_1301delinsAT on transcript NM_002516.4 (MANE Select); coding-DNA positions 1300 to 1301, GA replaced by AT.
Protein change: p.Glu434Met; replaces glutamic acid 434 with methionine.
Molecular consequence: missense variant.
Genome position (GRCh38, 1-based): chr19:45,940,041-45,940,042, TC replaced by AT on the plus strand (GA replaced by AT on the coding strand, the reverse complement: NOVA2 is on the minus strand). VCF-style: chr19-45940041-TC-AT. GRCh37 (hg19) VCF-style: chr19-46443299-TC-AT.
Other names: short protein forms E434M.
Identifiers: ClinVar variation 4891093 (VCV004891093.1).

ClinVar aggregate classification (germline): Uncertain significance (1 of 4 stars; one submission).

Submission:

Greenwood Genetic Center Diagnostic Laboratories, Greenwood Genetic Center
Classification: Uncertain significance. Last evaluated: 2026-05-20. Review status: criteria provided, single submitter. Criteria: ACMG Guidelines, 2015. Collection method: clinical testing. Allele origin: germline.
Comment: Gene of Uncertain Significance